The following is an entry in ClinVar:

NM_003919.3(SGCE):c.663del (p.Val222fs)

Genes: CASD1 (CAS1 domain sialic acid O acetyltransferase 1; plus strand), SGCE (sarcoglycan epsilon; minus strand). Cytogenetic location: 7q21.3.
Variant type: Deletion.
Coding change: c.663del on transcript NM_003919.3 (MANE Select); coding-DNA position 663, one base deleted (C; older notation c.663delC).
Protein change: p.Val222fs; shifts the reading frame from valine 222.
Molecular consequence: frameshift variant.
Genome position (GRCh38, 1-based): chr7:94,603,452, G deleted on the plus strand (C on the coding strand, the reverse complement: SGCE is on the minus strand). VCF-style (leftmost placement, unchanged base first): chr7-94603451-CG-C. GRCh37 (hg19) VCF-style: chr7-94232763-CG-C.
Other names: c.663del, p.Val222fs (NM_001099400.2, NM_001099401.2, NM_001346717.2); c.540del, p.Val181fs (NM_001301139.2, NM_001362809.2); c.771del, p.Val258fs (NM_001346713.2, NM_001346715.2); c.576del, p.Val193fs (NM_001346719.2, NM_001362807.2); c.390del, p.Val131fs (NM_001346720.2, NM_001362808.2); short protein forms V222fs, V131fs, V181fs, V193fs, V258fs.
Identifiers: ClinVar variation 586565 (VCV000586565.6), dbSNP rs1562812370, ClinGen allele CA891843388.
Genomic context (GRCh38, chr7:94,603,451, plus strand): 5'-GATTTTCAACTTCTCGTAAACAAGAAGAAAACGGGACATCTGCACCAACCATGACATAAA[CG>C]CTGTAAAAATGTGAAACTCTCAGGTTATCCTTTAAGAAAATTGAAAACACTAAAAAACAA-3'

ClinVar aggregate classification (germline): Pathogenic. Review status: criteria provided, multiple submitters, no conflicts (2 of 4 stars). 2 submissions from 2 submitters: Pathogenic (2). Last evaluated 2020-12-30.

Conditions:
Myoclonic dystonia 11 (DYT11). Also called: Myoclonic dystonia; Dystonia 11; Dystonia, alcohol responsive; Hereditary essential myoclonus; SGCE Myoclonus-Dystonia; Myoclonus-Dystonia. Identifiers: Orphanet 36899, MedGen C1834570, MONDO:0008044, OMIM 159900.

Submissions (2):

Labcorp Genetics (formerly Invitae), Labcorp
Classification: Pathogenic for Myoclonic dystonia 11. Last evaluated: 2020-12-30. Review status: criteria provided, single submitter. Criteria: Invitae Variant Classification Sherloc (09022015). Collection method: clinical testing. Allele origin: germline.
Comment: For these reasons, this variant has been classified as Pathogenic. Algorithms developed to predict the effect of sequence changes on RNA splicing suggest that this variant may create or strengthen a splice site, but this prediction has not been confirmed by published transcriptional studies. This variant has not been reported in the literature in individuals with SGCE-related conditions. ClinVar contains an entry for this variant (Variation ID: 586565). This variant is not present in population databases (ExAC no frequency). This sequence change creates a premature translational stop signal (p.Val222Phefs*25) in the SGCE gene. It is expected to result in an absent or disrupted protein product. Loss-of-function variants in SGCE are known to be pathogenic (PMID: 12821748, 15389977, 17853490, 24297365).

Athena Diagnostics
Classification: Pathogenic. Last evaluated: 2018-07-18. Review status: criteria provided, single submitter. Criteria: Athena Diagnostics Criteria. Collection method: clinical testing. Allele origin: germline.

Literature cited by the submitters: PubMed 12821748 (cited by Labcorp Genetics (formerly Invitae), Labcorp); PubMed 15389977 (cited by Labcorp Genetics (formerly Invitae), Labcorp); PubMed 17853490 (cited by Labcorp Genetics (formerly Invitae), Labcorp); PubMed 24297365 (cited by Labcorp Genetics (formerly Invitae), Labcorp).